The following is an entry in ClinVar:

ClinVar aggregate classification (germline): Likely benign (1 of 4 stars; one submission).

Allele frequency attached by ClinVar (database versions not stated): ExAC 0.00010; gnomAD 0.00054; ESP Exome Variant Server 0.00449.

Submission:

CeGaT Center for Human Genetics Tuebingen
Classification: Likely benign. Last evaluated: 2022-12-01. Review status: criteria provided, single submitter. Criteria: CeGaT Center For Human Genetics Tuebingen Variant Classification Criteria Version 2. Collection method: clinical testing. Allele origin: germline. Affected: yes. Observed: 1 variant allele.
Comment: VCX3B: BP4

NM_001001888.4(VCX3B):c.595C>G (p.Gln199Glu)

Gene: VCX3B (variable charge X-linked 3B; plus strand). Cytogenetic location: Xp22.31.
Variant type: single nucleotide variant.
Coding change: c.595C>G on transcript NM_001001888.4 (MANE Select); coding-DNA position 595, C replaced by G.
Protein change: p.Gln199Glu; replaces glutamine 199 with glutamic acid.
Molecular consequence: missense variant.
Genome position (GRCh38, 1-based): chrX:8,466,237, C>G. VCF-style: chrX-8466237-C-G. GRCh37 (hg19) VCF-style: chrX-8434278-C-G.
Other names: short protein forms Q199E.
Identifiers: ClinVar variation 2659938 (VCV002659938.24), dbSNP rs201489511, ClinGen allele CA10343358.